The following is an entry in ClinVar:

NM_203285.2(NECTIN1):c.1037C>T (p.Ala346Val)

Gene: NECTIN1 (nectin cell adhesion molecule 1; minus strand). Cytogenetic location: 11q23.3.
Variant type: single nucleotide variant.
Coding change: c.1037C>T on transcript NM_203285.2; coding-DNA position 1037, C replaced by T.
Protein change: p.Ala346Val; replaces alanine 346 with valine.
Molecular consequence: missense variant.
Genome position (GRCh38, 1-based): chr11:119,639,979, G>A on the plus strand (C>T on the coding strand, the complement: NECTIN1 is on the minus strand). VCF-style: chr11-119639979-G-A. GRCh37 (hg19) VCF-style: chr11-119510689-G-A.
Other names: short protein forms A346V.
Identifiers: ClinVar variation 4995197 (VCV004995197.1).

ClinVar aggregate classification (germline): Uncertain significance (1 of 4 stars; one submission).

Conditions:
NECTIN1-related disorder. Also called: NECTIN1-related condition.

gnomAD v4.1: 1 of 1,613,892 alleles (0.000062%); highest among the groups gnomAD compares: South Asian, 0.0011%; no homozygotes.

Submission:

PreventionGenetics, part of Exact Sciences
Classification: Uncertain significance for NECTIN1-related condition. Last evaluated: 2026-02-22. Review status: criteria provided, single submitter. Criteria: ACMG Guidelines, 2015. Collection method: clinical testing. Allele origin: germline.
Comment: The NECTIN1 c.1037C>T variant is predicted to result in the amino acid substitution p.Ala346Val. To our knowledge, this variant has not been reported in the literature or in a large population database (gnomAD), indicating this variant is rare. At this time, the clinical significance of this variant is uncertain due to the absence of conclusive functional and genetic evidence.